The following is an entry in ClinVar:

ClinVar aggregate classification (germline): Uncertain significance (1 of 4 stars; one submission).

Submission:

Dasa
Classification: Uncertain significance. Last evaluated: 2025-10-20. Review status: criteria provided, single submitter. Criteria: DASA Assertion Criteria. Collection method: clinical testing. Allele origin: germline.
Comment: NM_000180.4(GUCY2D):c.2945-19A>G is an intronic variant. This variant has been observed in affected individuals with GUCY2D-related disorders. Also, this variant is absent from population databases. Computational prediction algorithms are consistent with a deleterious effect. The currently available literature and clinical evidence are not sufficient to establish a definitive association between this variant and the reported condition. Therefore, this variant is classified as a variant of uncertain significance.

NM_000180.4(GUCY2D):c.2945-19A>G

Gene: GUCY2D (guanylate cyclase 2D, retinal; plus strand). Cytogenetic location: 17p13.1.
Variant type: single nucleotide variant.
Coding change: c.2945-19A>G on transcript NM_000180.4 (MANE Select); 19 bases into the intron before coding-DNA position 2945, A replaced by G.
Molecular consequence: intron variant.
Genome position (GRCh38, 1-based): chr17:8,015,724, A>G. VCF-style: chr17-8015724-A-G. GRCh37 (hg19) VCF-style: chr17-7919042-A-G.
Identifiers: ClinVar variation 4886045 (VCV004886045.2).